The following is an entry in ClinVar:

NM_013352.4(DSE):c.161C>T (p.Ala54Val)

Gene: DSE (dermatan sulfate epimerase; plus strand). Cytogenetic location: 6q22.1.
Variant type: single nucleotide variant.
Coding change: c.161C>T on transcript NM_013352.4 (MANE Select); coding-DNA position 161, C replaced by T.
Protein change: p.Ala54Val; replaces alanine 54 with valine.
Molecular consequence: missense variant. On other transcripts: 5 prime UTR variant (4), non-coding transcript variant (1).
Genome position (GRCh38, 1-based): chr6:116,399,411, C>T. VCF-style: chr6-116399411-C-T. GRCh37 (hg19) VCF-style: chr6-116720574-C-T.
Other names: c.161C>T, p.Ala54Val (NM_001080976.3, NM_001322937.2, NM_001322938.2 and 3 more transcripts); c.218C>T, p.Ala73Val (NM_001322939.2); c.-397C>T (NM_001322940.2, NM_001322941.2); c.-740C>T (NM_001374520.1); c.-427C>T (NM_001374521.1); short protein forms A54V, A73V.
Identifiers: ClinVar variation 3340253 (VCV003340253.3).

ClinVar aggregate classification (germline): Uncertain significance. Review status: criteria provided, multiple submitters, no conflicts (2 of 4 stars). 3 submissions from 3 submitters: Uncertain significance (3). Last evaluated 2025-12-22.

Conditions:
Ehlers-Danlos syndrome, musculocontractural type 2 (EDSMC2). Identifiers: Orphanet 2953, MedGen C3809845, MONDO:0014236, OMIM 615539.

gnomAD v4.1: 75 of 1,614,034 alleles (0.0046%); highest among the groups gnomAD compares: Middle Eastern, 0.016%; no homozygotes.

Submissions (3):

Labcorp Genetics (formerly Invitae), Labcorp
Classification: Uncertain significance for Ehlers-Danlos syndrome, musculocontractural type 2. Last evaluated: 2025-12-22. Review status: criteria provided, single submitter. Criteria: Invitae Variant Classification Sherloc (09022015). Collection method: clinical testing. Allele origin: germline.
Comment: This sequence change replaces alanine, which is neutral and non-polar, with valine, which is neutral and non-polar, at codon 54 of the DSE protein (p.Ala54Val). This variant is present in population databases (rs148850466, gnomAD 0.01%). This missense change has been observed in individual(s) with clinical features of Ehlers-Danlos syndrome (internal data). ClinVar contains an entry for this variant (Variation ID: 3340253). Invitae Evidence Modeling of protein sequence and biophysical properties (such as structural, functional, and spatial information, amino acid conservation, physicochemical variation, residue mobility, and thermodynamic stability) indicates that this missense variant is not expected to disrupt DSE protein function with a negative predictive value of 80%. In summary, the available evidence is currently insufficient to determine the role of this variant in disease. Therefore, it has been classified as a Variant of Uncertain Significance.

Women's Health and Genetics/Laboratory Corporation of America, LabCorp
Classification: Uncertain significance. Last evaluated: 2025-02-18. Review status: criteria provided, single submitter. Criteria: LabCorp Variant Classification Summary - May 2015. Collection method: clinical testing. Allele origin: germline.
Comment: Variant summary: DSE c.161C>T (p.Ala54Val) results in a non-conservative amino acid change located in the Chondroitin AC/alginate lyase domain of the encoded protein sequence. Four of five in-silico tools predict a benign effect of the variant on protein function. The variant allele was found at a frequency of 6e-05 in 251372 control chromosomes. This frequency is not significantly higher than estimated for a pathogenic variant in DSE causing Ehlers-Danlos syndrome, musculocontractural type 2 (6e-05 vs 0.0011), allowing no conclusion about variant significance. To our knowledge, no occurrence of c.161C>T in individuals affected with Ehlers-Danlos syndrome, musculocontractural type 2 and no experimental evidence demonstrating its impact on protein function have been reported. ClinVar contains an entry for this variant (Variation ID: 3340253). Based on the evidence outlined above, the variant was classified as uncertain significance.

GeneDx
Classification: Uncertain significance. Last evaluated: 2023-12-12. Review status: criteria provided, single submitter. Criteria: GeneDx Variant Classification Process June 2021. Collection method: clinical testing. Allele origin: germline. Affected: yes.
Comment: Has not been previously published as pathogenic or benign to our knowledge; Not observed at significant frequency in large population cohorts (gnomAD); In silico analysis supports that this missense variant does not alter protein structure/function